The following is an entry in ClinVar:

ClinVar aggregate classification (germline): Uncertain significance. Review status: criteria provided, multiple submitters, no conflicts (2 of 4 stars). 2 submissions from 2 submitters: Uncertain significance (2). Last evaluated 2022-09-12.

Allele frequency attached by ClinVar (database versions not stated): TOPMed below 0.00001.

Submissions (2):

Labcorp Genetics (formerly Invitae), Labcorp
Classification: Uncertain significance. Last evaluated: 2022-09-12. Review status: criteria provided, single submitter. Criteria: Invitae Variant Classification Sherloc (09022015). Collection method: clinical testing. Allele origin: germline.
Comment: In summary, the available evidence is currently insufficient to determine the role of this variant in disease. Therefore, it has been classified as a Variant of Uncertain Significance. Algorithms developed to predict the effect of missense changes on protein structure and function (SIFT, PolyPhen-2, Align-GVGD) all suggest that this variant is likely to be disruptive. ClinVar contains an entry for this variant (Variation ID: 1351974). This variant has not been reported in the literature in individuals affected with DNASE2-related conditions. This variant is not present in population databases (gnomAD no frequency). This sequence change replaces cysteine, which is neutral and slightly polar, with tryptophan, which is neutral and slightly polar, at codon 159 of the DNASE2 protein (p.Cys159Trp).

Ambry Genetics
Classification: Uncertain significance. Last evaluated: 2022-05-31. Review status: criteria provided, single submitter. Criteria: Ambry Variant Classification Scheme 2023. Collection method: clinical testing. Allele origin: germline.

NM_001375.3(DNASE2):c.477T>G (p.Cys159Trp)

Gene: DNASE2 (deoxyribonuclease 2, lysosomal; minus strand). Cytogenetic location: 19p13.13.
Variant type: single nucleotide variant.
Coding change: c.477T>G on transcript NM_001375.3 (MANE Select); coding-DNA position 477, T replaced by G.
Protein change: p.Cys159Trp; replaces cysteine 159 with tryptophan.
Molecular consequence: missense variant.
Genome position (GRCh38, 1-based): chr19:12,878,704, A>C on the plus strand (T>G on the coding strand, the complement: DNASE2 is on the minus strand). VCF-style: chr19-12878704-A-C. GRCh37 (hg19) VCF-style: chr19-12989518-A-C.
Other names: c.477T>G (NM_001375.2); short protein forms C159W.
Identifiers: ClinVar variation 1351974 (VCV001351974.7), dbSNP rs747045824, ClinGen allele CA404299597.